The following is an entry in ClinVar:

ClinVar aggregate classification (germline): Uncertain significance (1 of 4 stars; one submission).

Conditions:
Myofibrillar myopathy 5. Also called: Filaminopathy (type); FILAMINOPATHY, AUTOSOMAL DOMINANT. Identifiers: Orphanet 171445, MedGen C1836050, MONDO:0012289, OMIM 609524.
Distal myopathy with posterior leg and anterior hand involvement. Also called: WILLIAMS DISTAL MYOPATHY. Identifiers: Orphanet 63273, MedGen C3279722, MONDO:0013550, OMIM 614065.
Hypertrophic cardiomyopathy 26. Also called: Cardiomyopathy, familial hypertrophic, 26. Identifiers: Orphanet 75249, MedGen C4310749, MONDO:0014883, OMIM 617047.

Submission:

Labcorp Genetics (formerly Invitae), Labcorp
Classification: Uncertain significance for Distal myopathy with posterior leg and anterior hand involvement; Myofibrillar myopathy 5; Hypertrophic cardiomyopathy 26. Last evaluated: 2019-10-21. Review status: criteria provided, single submitter. Criteria: Invitae Variant Classification Sherloc (09022015). Collection method: clinical testing. Allele origin: germline.
Comment: This variant has not been reported in the literature in individuals with FLNC-related conditions. This variant is not present in population databases (ExAC no frequency). This sequence change replaces isoleucine with phenylalanine at codon 843 of the FLNC protein (p.Ile843Phe). The isoleucine residue is moderately conserved and there is a small physicochemical difference between isoleucine and phenylalanine. Algorithms developed to predict the effect of missense changes on protein structure and function are either unavailable or do not agree on the potential impact of this missense change (SIFT: "Deleterious"; PolyPhen-2: "Probably Damaging"; Align-GVGD: "Class C0"). In summary, the available evidence is currently insufficient to determine the role of this variant in disease. Therefore, it has been classified as a Variant of Uncertain Significance.

NM_001458.5(FLNC):c.2527A>T (p.Ile843Phe)

Gene: FLNC (filamin C; plus strand). Cytogenetic location: 7q32.1.
Variant type: single nucleotide variant.
Coding change: c.2527A>T on transcript NM_001458.5 (MANE Select); coding-DNA position 2527, A replaced by T.
Protein change: p.Ile843Phe; replaces isoleucine 843 with phenylalanine.
Molecular consequence: missense variant.
Genome position (GRCh38, 1-based): chr7:128,842,931, A>T. VCF-style: chr7-128842931-A-T. GRCh37 (hg19) VCF-style: chr7-128482985-A-T.
Other names: c.2527A>T, p.Ile843Phe (NM_001127487.2); short protein forms I843F.
Identifiers: ClinVar variation 963647 (VCV000963647.10), dbSNP rs973425855, ClinGen allele CA369191958.
Genomic context (GRCh38, chr7:128,842,931, plus strand): 5'-AAGAATGACAACGACACCTTCACCGTCAAGTACACGCCACCAGGGGCGGGCCGCTACACC[A>T]TCATGGTGCTGTTTGCCAACCAGGTACCTAAGCTCCTGGGTACTCACAGCGACATGCACC-3'
Protein context (NP_001449.3, residues 833-853): YTPPGAGRYT[Ile843Phe]MVLFANQEIP